The following is an entry in ClinVar:

NM_000426.4(LAMA2):c.3626G>A (p.Gly1209Asp)

Gene: LAMA2 (laminin subunit alpha 2; plus strand). Cytogenetic location: 6q22.33.
Variant type: single nucleotide variant.
Coding change: c.3626G>A on transcript NM_000426.4 (MANE Select); coding-DNA position 3626, G replaced by A.
Protein change: p.Gly1209Asp; replaces glycine 1209 with aspartic acid.
Molecular consequence: missense variant.
Genome position (GRCh38, 1-based): chr6:129,315,546, G>A. VCF-style: chr6-129315546-G-A. GRCh37 (hg19) VCF-style: chr6-129636691-G-A.
Other names: p.Gly1209Asp; c.3626G>A (NM_000426.3); c.3626G>A, p.Gly1209Asp (NM_001079823.2); short protein forms G1209D.
Identifiers: ClinVar variation 1501770 (VCV001501770.4), dbSNP rs1349439912, ClinGen allele CA365612806.

ClinVar aggregate classification (germline): Uncertain significance. Review status: criteria provided, multiple submitters, no conflicts (2 of 4 stars). 2 submissions from 2 submitters: Uncertain significance (2). Last evaluated 2025-06-24.

Conditions:
LAMA2-related muscular dystrophy (LAMA2-RD). Also called: Laminin alpha 2-related dystrophy. Identifiers: MedGen C5679788, MONDO:0100228.

Allele frequency attached by ClinVar (database versions not stated): gnomAD exomes 0.00001; gnomAD 0.00002.

Submissions (2):

Mayo Clinic Laboratories, Mayo Clinic
Classification: Uncertain significance. Last evaluated: 2025-06-24. Review status: criteria provided, single submitter. Criteria: ACMG Guidelines, 2015. Collection method: clinical testing. Allele origin: germline. Observed: 1 variant allele.

Labcorp Genetics (formerly Invitae), Labcorp
Classification: Uncertain significance for LAMA2-related muscular dystrophy. Last evaluated: 2021-12-01. Review status: criteria provided, single submitter. Criteria: Invitae Variant Classification Sherloc (09022015). Collection method: clinical testing. Allele origin: germline.
Comment: This sequence change replaces glycine, which is neutral and non-polar, with aspartic acid, which is acidic and polar, at codon 1209 of the LAMA2 protein (p.Gly1209Asp). This variant is present in population databases (no rsID available, gnomAD 0.003%). This variant has not been reported in the literature in individuals affected with LAMA2-related conditions. Advanced modeling of protein sequence and biophysical properties (such as structural, functional, and spatial information, amino acid conservation, physicochemical variation, residue mobility, and thermodynamic stability) performed at Invitae indicates that this missense variant is not expected to disrupt LAMA2 protein function. In summary, the available evidence is currently insufficient to determine the role of this variant in disease. Therefore, it has been classified as a Variant of Uncertain Significance.